The following is an entry in ClinVar:

ClinVar aggregate classification (germline): Likely benign (1 of 4 stars; one submission).

Conditions:
PKD1-related disorder. Also called: PKD1-related condition.

Submission:

PreventionGenetics, part of Exact Sciences
Classification: Likely benign for PKD1-related condition. Last evaluated: 2026-03-04. Review status: criteria provided, single submitter. Criteria: ACMG Guidelines, 2015. Collection method: clinical testing. Allele origin: germline.
Comment: This variant is classified as likely benign based on ACMG/AMP sequence variant interpretation guidelines (Richards et al. 2015 PMID: 25741868, with internal and published modifications).

NM_001009944.3(PKD1):c.3435C>T (p.Thr1145=)

Gene: PKD1 (polycystin 1, transient receptor potential channel interacting; minus strand). Cytogenetic location: 16p13.3.
Variant type: single nucleotide variant.
Coding change: c.3435C>T on transcript NM_001009944.3 (MANE Select); coding-DNA position 3435, C replaced by T.
Protein change: p.Thr1145=; no amino-acid change (threonine 1145 retained).
Molecular consequence: synonymous variant.
Genome position (GRCh38, 1-based): chr16:2,111,732, G>A on the plus strand (C>T on the coding strand, the complement: PKD1 is on the minus strand). VCF-style: chr16-2111732-G-A. GRCh37 (hg19) VCF-style: chr16-2161733-G-A.
Other names: c.3435C>T, p.Thr1145= (NM_000296.4).
Identifiers: ClinVar variation 4991148 (VCV004991148.1).
Genomic context (GRCh38, chr16:2,111,732, plus strand): 5'-GTCCCCGAAGTCCCACGTGTAAAGAACACCCCCAGGCGAGGGCAGCGGGTGCGGGTAGAA[G>A]GTGACGGGCCGGCCGGCCACCAGGACGCCGTCACTCACACCCACAGCCACGGAGGGCAGG-3'
Protein context (NP_001009944.3, residues 1135-1155): DGVLVAGRPV[Thr1145=]FYPHPLPSPG